The following is an entry in ClinVar:

NM_000719.7(CACNA1C):c.477+3A>G

Gene: CACNA1C (calcium voltage-gated channel subunit alpha1 C; plus strand). Cytogenetic location: 12p13.33.
Variant type: single nucleotide variant.
Coding change: c.477+3A>G on transcript NM_000719.7 (MANE Select); 3 bases into the intron after coding-DNA position 477, A replaced by G.
Molecular consequence: intron variant.
Genome position (GRCh38, 1-based): chr12:2,120,433, A>G. VCF-style: chr12-2120433-A-G. GRCh37 (hg19) VCF-style: chr12-2229599-A-G.
Other names: c.477+3A>G (NM_001167624.3, NM_001167623.2, NM_001167625.2 and 19 more transcripts).
Identifiers: ClinVar variation 4538026 (VCV004538026.1).

ClinVar aggregate classification (germline): Uncertain significance (1 of 4 stars; one submission).

gnomAD v4.1: 1 of 1,508,316 alleles (0.000066%); highest among the groups gnomAD compares: Non-Finnish European, 0.000092%; no homozygotes.

Submission:

GeneDx
Classification: Uncertain significance. Last evaluated: 2025-06-10. Review status: criteria provided, single submitter. Criteria: GeneDx Variant Classification Process June 2021. Collection method: clinical testing. Allele origin: germline. Affected: yes.
Comment: Not observed at significant frequency in large population cohorts (gnomAD); Has not been previously published as pathogenic or benign to our knowledge; In silico analysis is inconclusive as to whether the variant alters gene splicing. In the absence of RNA/functional studies, the actual effect of this sequence change is unknown.